The following is an entry in ClinVar:

NM_000891.3(KCNJ2):c.476T>C (p.Phe159Ser)

Gene: KCNJ2 (potassium inwardly rectifying channel subfamily J member 2; plus strand). Cytogenetic location: 17q24.3.
Variant type: single nucleotide variant.
Coding change: c.476T>C on transcript NM_000891.3 (MANE Select); coding-DNA position 476, T replaced by C.
Protein change: p.Phe159Ser; replaces phenylalanine 159 with serine.
Molecular consequence: missense variant.
Genome position (GRCh38, 1-based): chr17:70,175,515, T>C. VCF-style: chr17-70175515-T-C. GRCh37 (hg19) VCF-style: chr17-68171656-T-C.
Other names: short protein forms F159S.
Identifiers: ClinVar variation 1515095 (VCV001515095.12), dbSNP rs1236228202, ClinGen allele CA400860679.

ClinVar aggregate classification (germline): Uncertain significance. Review status: criteria provided, multiple submitters, no conflicts (2 of 4 stars). 3 submissions from 3 submitters: Uncertain significance (3). Last evaluated 2025-08-13.

Conditions:
Andersen Tawil syndrome (LQT7). Also called: Potassium-sensitive periodic paralysis, ventricular ectopy, and dysmorphic features; Andersen Syndrome; LONG QT SYNDROME 7; PERIODIC PARALYSIS, POTASSIUM-SENSITIVE CARDIODYSRHYTHMIC TYPE; ANDERSEN CARDIODYSRHYTHMIC PERIODIC PARALYSIS. Identifiers: Orphanet 37553, MedGen C1563715, MONDO:0008222, OMIM 170390.
Short QT syndrome type 3. Identifiers: Orphanet 51083, MedGen C1865018, MONDO:0012314, OMIM 609622.
Cardiovascular phenotype. Identifiers: MedGen CN230736.

Allele frequency attached by ClinVar (database versions not stated): gnomAD 0.00001; gnomAD exomes 0.00001; TOPMed 0.00001.
gnomAD v4.1: 12 of 1,614,110 alleles (0.00074%); highest among the groups gnomAD compares: Admixed American, 0.0033%; no homozygotes.

Submissions (3):

Labcorp Genetics (formerly Invitae), Labcorp
Classification: Uncertain significance for Short QT syndrome type 3; Andersen Tawil syndrome. Last evaluated: 2025-08-13. Review status: criteria provided, single submitter. Criteria: Invitae Variant Classification Sherloc (09022015). Collection method: clinical testing. Allele origin: germline.
Comment: This sequence change replaces phenylalanine, which is neutral and non-polar, with serine, which is neutral and polar, at codon 159 of the KCNJ2 protein (p.Phe159Ser). This variant is present in population databases (no rsID available, gnomAD 0.003%). This variant has not been reported in the literature in individuals affected with KCNJ2-related conditions. ClinVar contains an entry for this variant (Variation ID: 1515095). Invitae Evidence Modeling of protein sequence and biophysical properties (such as structural, functional, and spatial information, amino acid conservation, physicochemical variation, residue mobility, and thermodynamic stability) has been performed for this missense variant. However, the output from this modeling did not meet the statistical confidence thresholds required to predict the impact of this variant on KCNJ2 protein function. In summary, the available evidence is currently insufficient to determine the role of this variant in disease. Therefore, it has been classified as a Variant of Uncertain Significance.

Ambry Genetics
Classification: Uncertain significance for Cardiovascular phenotype. Last evaluated: 2025-02-26. Review status: criteria provided, single submitter. Criteria: Ambry Variant Classification Scheme 2023. Collection method: clinical testing. Allele origin: germline.
Comment: The p.F159S variant (also known as c.476T>C), located in coding exon 1 of the KCNJ2 gene, results from a T to C substitution at nucleotide position 476. The phenylalanine at codon 159 is replaced by serine, an amino acid with highly dissimilar properties. This amino acid position is highly conserved in available vertebrate species. In addition, this alteration is predicted to be deleterious by in silico analysis. Since supporting evidence is limited at this time, the clinical significance of this alteration remains unclear.

Breakthrough Genomics
Classification: Uncertain significance. Review status: criteria provided, single submitter. Criteria: ACMG Guidelines, 2015. Collection method: not provided. Allele origin: germline. Inheritance: Autosomal dominant inheritance. Affected: yes.